The following is an entry in ClinVar:

NM_005223.4(DNASE1):c.171_226dup (p.Asn76delinsThrTrpSerArgArgSerGluThrAlaThrTer)

Gene: DNASE1 (deoxyribonuclease 1; plus strand). Cytogenetic location: 16p13.3.
Variant type: Duplication.
Coding change: c.171_226dup on transcript NM_005223.4 (MANE Select); coding-DNA positions 171 to 226, 56 bases duplicated.
Protein change: p.Asn76delinsThrTrpSerArgArgSerGluThrAlaThrTer.
Molecular consequence: nonsense. On other transcripts: non-coding transcript variant (2), intron variant (1).
Genome position (GRCh38, 1-based): chr16:3,655,872-3,655,927, 56 bases duplicated. GRCh37 (hg19): chr16:3,705,873-3,705,928.
Other names: p.Asn76Thrfs*11; c.171_226dup, p.Asn76delinsThrTrpSerArgArgSerGluThrAlaThrTer (NM_001351825.2, NM_001387135.1, NM_001387139.1 and 1 more transcripts); c.30-230_30-175dup (NM_001387141.1).
Identifiers: ClinVar variation 3380365 (VCV003380365.1).

ClinVar aggregate classification (germline): Uncertain significance (1 of 4 stars; one submission).

Submission:

Mayo Clinic Laboratories, Mayo Clinic
Classification: Uncertain significance. Last evaluated: 2024-03-21. Review status: criteria provided, single submitter. Criteria: ACMG Guidelines, 2015. Collection method: clinical testing. Allele origin: germline. Observed: 1 variant allele.
Comment: PVS1_moderate

Literature cited by the submitters: PubMed 11479590; PubMed 30758851; PubMed 31541133.